The following is an entry in ClinVar:

ClinVar aggregate classification (germline): Conflicting classifications of pathogenicity. Review status: criteria provided, conflicting classifications (1 of 4 stars). 8 submissions from 8 submitters: Uncertain significance (1); Likely benign (5). 2 of the submissions do not count toward it. Last evaluated 2026-01-12.

Conditions:
Cardiovascular phenotype. Identifiers: MedGen CN230736.
LPL-related disorder. Also called: LPL-related condition.
Hyperlipoproteinemia, type I. Also called: Lipoprotein Lipase Deficiency; Lipase D deficiency; Familial Lipoprotein Lipase Deficiency; Hyperlipoproteinemia type 1; Hyperchylomicro-nemia familial; Familial chylomicronemia. Identifiers: Orphanet 309015, Orphanet 444490, MedGen C0023817, MONDO:0009387, OMIM 238600. Disease mechanism: loss of function.

Allele frequency attached by ClinVar (database versions not stated): ESP Exome Variant Server 0.00008; 1000 Genomes Project 30x 0.00016; 1000 Genomes Project 0.00020; ExAC 0.00020; gnomAD exomes 0.00020; gnomAD 0.00021 and 0.00022; TOPMed 0.00023.
gnomAD v4.1: 286 of 1,614,090 alleles (0.018%); highest among the groups gnomAD compares: Non-Finnish European, 0.02%; no homozygotes.

Submissions (8):

Labcorp Genetics (formerly Invitae), Labcorp
Classification: Likely benign. Last evaluated: 2026-01-12. Review status: criteria provided, single submitter. Criteria: Invitae Variant Classification Sherloc (09022015). Collection method: clinical testing. Allele origin: germline.

Mayo Clinic Laboratories, Mayo Clinic
Classification: Likely benign. Last evaluated: 2025-02-14. Review status: criteria provided, single submitter. Criteria: ACMG Guidelines, 2015. Collection method: clinical testing. Allele origin: germline. Observed: 1 variant allele.
Comment: BP4, BP7

CeGaT Center for Human Genetics Tuebingen
Classification: Likely benign. Last evaluated: 2023-10-01. Review status: criteria provided, single submitter. Criteria: CeGaT Center For Human Genetics Tuebingen Variant Classification Criteria Version 2. Collection method: clinical testing. Allele origin: germline. Affected: yes. Observed: 1 variant allele.
Comment: LPL: BP4, BP7

Women's Health and Genetics/Laboratory Corporation of America, LabCorp
Classification: Likely benign. Last evaluated: 2023-08-01. Review status: criteria provided, single submitter. Criteria: LabCorp Variant Classification Summary - May 2015. Collection method: clinical testing. Allele origin: germline.

Ambry Genetics
Classification: Likely benign for Cardiovascular phenotype. Last evaluated: 2022-02-14. Review status: criteria provided, single submitter. Criteria: Ambry Variant Classification Scheme 2023. Collection method: clinical testing. Allele origin: germline.

Illumina Laboratory Services, Illumina
Classification: Uncertain significance for Hyperlipoproteinemia, type I. Last evaluated: 2018-01-13. Review status: criteria provided, single submitter. Criteria: ICSL Variant Classification Criteria 13 December 2019. Collection method: clinical testing. Allele origin: germline.

Natera, Inc.
Classification: Uncertain significance for Lipoprotein lipase deficiency. Last evaluated: 2020-01-24. Review status: no assertion criteria provided. Collection method: clinical testing. Allele origin: germline. Not counted in ClinVar's aggregate classification.

PreventionGenetics, part of Exact Sciences
Classification: Likely benign for LPL-related condition. Last evaluated: 2019-04-04. Review status: no assertion criteria provided. Collection method: clinical testing. Allele origin: germline. Not counted in ClinVar's aggregate classification.
Comment: This variant is classified as likely benign based on ACMG/AMP sequence variant interpretation guidelines (Richards et al. 2015 PMID: 25741868, with internal and published modifications).

NM_000237.3(LPL):c.189C>T (p.Ser63=)

Gene: LPL (lipoprotein lipase; plus strand). Cytogenetic location: 8p21.3.
Variant type: single nucleotide variant.
Coding change: c.189C>T on transcript NM_000237.3 (MANE Select); coding-DNA position 189, C replaced by T.
Protein change: p.Ser63=; no amino-acid change (serine 63 retained).
Molecular consequence: synonymous variant.
Genome position (GRCh38, 1-based): chr8:19,948,280, C>T. VCF-style: chr8-19948280-C-T. GRCh37 (hg19) VCF-style: chr8-19805791-C-T.
Other names: p.Ser63=.
Identifiers: ClinVar variation 764668 (VCV000764668.44), dbSNP rs114726797, ClinGen allele CA4655337.